The following is an entry in ClinVar:

ClinVar aggregate classification (germline): Pathogenic. Review status: criteria provided, multiple submitters, no conflicts (2 of 4 stars). 5 submissions from 5 submitters: Pathogenic (5). Last evaluated 2025-09-27.

Conditions:
Polycystic kidney disease, adult type (PKD1). Also called: Polycystic Kidney Disease 1, Autosomal Dominant; Polycystic kidney disease 1; Polycystic kidney disease 1, severe; Polycystic Kidney, Autosomal Dominant; POLYCYSTIC KIDNEY DISEASE 1 WITH OR WITHOUT POLYCYSTIC LIVER DISEASE; POLYCYSTIC KIDNEY DISEASE, ADULT, TYPE I. Identifiers: MedGen C3149841, MONDO:0008263, OMIM 173900.
PKD1-related disorder. Also called: PKD1-related condition.

Submissions (5):

GeneDx
Classification: Pathogenic. Last evaluated: 2025-09-27. Review status: criteria provided, single submitter. Criteria: GeneDx Variant Classification Process June 2021. Collection method: clinical testing. Allele origin: germline. Affected: yes.
Comment: Nonsense variant predicted to result in protein truncation or nonsense mediated decay in a gene for which loss of function is a known mechanism of disease; Not observed at significant frequency in large population cohorts (gnomAD); This variant is associated with the following publications: (PMID: 36186434, 23985799)

Women's Health and Genetics/Laboratory Corporation of America, LabCorp
Classification: Pathogenic for Polycystic kidney disease, adult type. Last evaluated: 2025-05-01. Review status: criteria provided, single submitter. Criteria: LabCorp Variant Classification Summary - May 2015. Collection method: clinical testing. Allele origin: germline.
Comment: Variant summary: PKD1 c.8566C>T (p.Gln2856X) results in a premature termination codon, predicted to cause a truncation of the encoded protein or absence of the protein due to nonsense mediated decay, which are commonly known mechanisms for disease. The variant was absent in 237986 control chromosomes. c.8566C>T has been observed in individual(s) affected with Polycystic Kidney Disease 1 (e.g. Yan_2022). To our knowledge, no experimental evidence demonstrating an impact on protein function has been reported. The following publication has been ascertained in the context of this evaluation (PMID: 36186434). ClinVar contains an entry for this variant (Variation ID: 2582131). Based on the evidence outlined above, the variant was classified as pathogenic.

Athena Diagnostics
Classification: Pathogenic. Last evaluated: 2024-12-26. Review status: criteria provided, single submitter. Criteria: Athena Diagnostics Criteria. Collection method: clinical testing. Allele origin: unknown.
Comment: This variant is expected to result in the loss of a functional protein. This variant has not been reported in large, multi-ethnic general populations. This variant has been identified in at least one individual with clinical features associated with this gene.

PreventionGenetics, part of Exact Sciences
Classification: Pathogenic for PKD1-related condition. Last evaluated: 2024-12-26. Review status: criteria provided, single submitter. Criteria: ACMG Guidelines, 2015. Collection method: clinical testing. Allele origin: germline.
Comment: The PKD1 c.8566C>T variant is predicted to result in premature protein termination (p.Gln2856*). This variant has been reported to be pathogenic for autosomal dominant polycystic kidney disease (ADPKD) (see for example, Chang et al. 2013. PubMed ID: 23985799). This variant has not been reported in a large population database (gnomAD), indicating this variant is rare. Nonsense variants in PKD1 are expected to be pathogenic. This variant is interpreted as pathogenic.

Fulgent Genetics
Classification: Pathogenic for Polycystic kidney disease, adult type. Last evaluated: 2024-02-24. Review status: criteria provided, single submitter. Criteria: ACMG Guidelines, 2015. Collection method: clinical testing. Allele origin: germline.

Literature cited by the submitters: PubMed 36186434 (cited by Women's Health and Genetics/Laboratory Corporation of America, LabCorp); PubMed 23985799 (cited by Athena Diagnostics).

NM_001009944.3(PKD1):c.8566C>T (p.Gln2856Ter)

Gene: PKD1 (polycystin 1, transient receptor potential channel interacting; minus strand). Cytogenetic location: 16p13.3.
Variant type: single nucleotide variant.
Coding change: c.8566C>T on transcript NM_001009944.3 (MANE Select); coding-DNA position 8566, C replaced by T.
Protein change: p.Gln2856Ter; replaces glutamine 2856 with a stop codon.
Molecular consequence: nonsense.
Genome position (GRCh38, 1-based): chr16:2,103,491, G>A on the plus strand (C>T on the coding strand, the complement: PKD1 is on the minus strand). VCF-style: chr16-2103491-G-A. GRCh37 (hg19) VCF-style: chr16-2153492-G-A.
Other names: c.8566C>T (NM_000296.3); c.8566C>T, p.Gln2856Ter (NM_000296.4); short protein forms Q2856*.
Identifiers: ClinVar variation 2582131 (VCV002582131.6), dbSNP rs2092189640, ClinGen allele CA394362739.
Genomic context (GRCh38, chr16:2,103,491, plus strand): 5'-CCTTCACGGTGATGGCGCGCTCTGAGGCCAGCCGCTCGATGGGGATCTGGGCGCCGGCCT[G>A]TGTCTGGAATGCCATCGAGGCCACCTTGGTGGAGACGGTGTAGTTGCTGATATAGCCAAA-3'